The following is an entry in ClinVar:

ClinVar aggregate classification (germline): Uncertain significance (1 of 4 stars; one submission).

Conditions:
Congenital contractural arachnodactyly (CCA). Also called: BEALS SYNDROME; Beals-Hecht syndrome; Arthrogryposis, distal, type 9. Identifiers: Orphanet 115, MedGen C0220668, MONDO:0007363, OMIM 121050.

gnomAD v4.1: 12 of 1,596,740 alleles (0.00075%); highest among the groups gnomAD compares: South Asian, 0.01%; no homozygotes.

Submission:

Labcorp Genetics (formerly Invitae), Labcorp
Classification: Uncertain significance for Congenital contractural arachnodactyly. Last evaluated: 2024-09-28. Review status: criteria provided, single submitter. Criteria: Invitae Variant Classification Sherloc (09022015). Collection method: clinical testing. Allele origin: germline.
Comment: This sequence change falls in intron 44 of the FBN2 gene. It does not directly change the encoded amino acid sequence of the FBN2 protein. It affects a nucleotide within the consensus splice site. This variant is present in population databases (rs749309633, gnomAD 0.01%). This variant has not been reported in the literature in individuals affected with FBN2-related conditions. Variants that disrupt the consensus splice site are a relatively common cause of aberrant splicing (PMID: 17576681, 9536098). Algorithms developed to predict the effect of sequence changes on RNA splicing suggest that this variant is not likely to affect RNA splicing. In summary, the available evidence is currently insufficient to determine the role of this variant in disease. Therefore, it has been classified as a Variant of Uncertain Significance.

Literature cited by the submitters: PubMed 17576681; PubMed 9536098.

NM_001999.4(FBN2):c.5675-3T>C

Gene: FBN2 (fibrillin 2; minus strand). Cytogenetic location: 5q23.3.
Variant type: single nucleotide variant.
Coding change: c.5675-3T>C on transcript NM_001999.4 (MANE Select); 3 bases into the intron before coding-DNA position 5675, T replaced by C.
Molecular consequence: intron variant.
Genome position (GRCh38, 1-based): chr5:128,305,085, A>G on the plus strand (T>C on the coding strand, the complement: FBN2 is on the minus strand). VCF-style: chr5-128305085-A-G. GRCh37 (hg19) VCF-style: chr5-127640777-A-G.
Identifiers: ClinVar variation 3674346 (VCV003674346.2).